The following is an entry in ClinVar:

ClinVar aggregate classification (germline): Benign/Likely benign. Review status: criteria provided, multiple submitters, no conflicts (2 of 4 stars). 6 submissions from 6 submitters: Benign (3); Likely benign (2). 1 of the submissions does not count toward it. Last evaluated 2026-02-01.

Conditions:
DNAH9-related disorder. Also called: DNAH9-related condition.
Ciliary dyskinesia, primary, 40. Also called: CILIARY DYSKINESIA, PRIMARY, 40, WITH OR WITHOUT SITUS INVERSUS. Identifiers: MedGen C4749028, MONDO:0032664, OMIM 618300.

Allele frequency attached by ClinVar (database versions not stated): ESP Exome Variant Server 0.00300; gnomAD 0.00323 and 0.00373; TOPMed 0.00365; gnomAD exomes 0.00412 and 0.00589; ExAC 0.00544; 1000 Genomes Project 30x 0.01046; 1000 Genomes Project 0.01118.
gnomAD v4.1: 6,699 of 1,614,032 alleles (0.42%); highest among the groups gnomAD compares: East Asian, 2.4%; 48 homozygotes.

Submissions (6):

Labcorp Genetics (formerly Invitae), Labcorp
Classification: Benign. Last evaluated: 2026-02-01. Review status: criteria provided, single submitter. Criteria: Invitae Variant Classification Sherloc (09022015). Collection method: clinical testing. Allele origin: germline.

Blueprint Genetics
Classification: Likely benign. Last evaluated: 2024-11-27. Review status: criteria provided, single submitter. Criteria: ACMG Guidelines, 2015. Collection method: clinical testing. Allele origin: germline.

Fulgent Genetics
Classification: Likely benign for Ciliary dyskinesia, primary, 40. Last evaluated: 2021-11-08. Review status: criteria provided, single submitter. Criteria: ACMG Guidelines, 2015. Collection method: clinical testing. Allele origin: unknown.

Laboratory for Molecular Medicine, Mass General Brigham Personalized Medicine
Classification: Benign. Last evaluated: 2016-03-28. Review status: criteria provided, single submitter. Criteria: LMM Criteria. Collection method: clinical testing. Allele origin: germline.
Comment: Variant identified in a genome or exome case(s) and assessed due to predicted null impact of the variant or pathogenic assertions in the literature or databases. Disclaimer: This variant has not undergone full assessment. The following are preliminary notes: Candidate PCD gene, but frequency is high

Breakthrough Genomics
Classification: Benign. Review status: criteria provided, single submitter. Criteria: ACMG Guidelines, 2015. Collection method: not provided. Allele origin: germline. Inheritance: Autosomal recessive inheritance. Affected: yes.

PreventionGenetics, part of Exact Sciences
Classification: Benign for DNAH9-related condition. Last evaluated: 2019-05-27. Review status: no assertion criteria provided. Collection method: clinical testing. Allele origin: germline. Not counted in ClinVar's aggregate classification.
Comment: This variant is classified as benign based on ACMG/AMP sequence variant interpretation guidelines (Richards et al. 2015 PMID: 25741868, with internal and published modifications).

NM_001372.4(DNAH9):c.9543G>A (p.Pro3181=)

Gene: DNAH9 (dynein axonemal heavy chain 9; plus strand). Cytogenetic location: 17p12.
Variant type: single nucleotide variant.
Coding change: c.9543G>A on transcript NM_001372.4 (MANE Select); coding-DNA position 9543, G replaced by A.
Protein change: p.Pro3181=; no amino-acid change (proline 3181 retained).
Molecular consequence: synonymous variant.
Genome position (GRCh38, 1-based): chr17:11,854,038, G>A. VCF-style: chr17-11854038-G-A. GRCh37 (hg19) VCF-style: chr17-11757355-G-A.
Identifiers: ClinVar variation 402781 (VCV000402781.17), dbSNP rs117483481, ClinGen allele CA8397257.